The following is an entry in ClinVar:

NM_017534.6(MYH2):c.687A>G (p.Leu229=)

Genes: MYH2 (myosin heavy chain 2; minus strand), MYHAS (myosin heavy chain gene cluster antisense RNA; plus strand), LOC126862501 (CDK7 strongly-dependent group 2 enhancer GRCh37_chr17:10446256-10447455; plus strand). Cytogenetic location: 17p13.1.
Variant type: single nucleotide variant.
Coding change: c.687A>G on transcript NM_017534.6 (MANE Select); coding-DNA position 687, A replaced by G.
Protein change: p.Leu229=; no amino-acid change (leucine 229 retained).
Molecular consequence: synonymous variant.
Genome position (GRCh38, 1-based): chr17:10,543,765, T>C on the plus strand (A>G on the coding strand, the complement: MYH2 is on the minus strand). VCF-style: chr17-10543765-T-C. GRCh37 (hg19) VCF-style: chr17-10447082-T-C.
Other names: p.Leu229=; c.687A>G, p.Leu229= (NM_001100112.2).
Identifiers: ClinVar variation 465951 (VCV000465951.25), dbSNP rs145014502, ClinGen allele CA8391567.

ClinVar aggregate classification (germline): Benign/Likely benign. Review status: criteria provided, multiple submitters, no conflicts (2 of 4 stars). 5 submissions from 5 submitters: Benign (1); Likely benign (3). 1 of the submissions does not count toward it. Last evaluated 2026-01-01.

Conditions:
MYH2-related disorder. Also called: MYH2-related condition.
Myopathy, proximal, and ophthalmoplegia (CMYO6). Also called: INCLUSION BODY MYOPATHY 3, AUTOSOMAL DOMINANT; MYOPATHY WITH CONGENITAL JOINT CONTRACTURES, OPHTHALMOPLEGIA, AND RIMMED VACUOLES; CONGENITAL MYOPATHY 6 WITH OPHTHALMOPLEGIA. Identifiers: Orphanet 363677, Orphanet 79091, MedGen C1854106, MONDO:0011577, OMIM 605637.

Allele frequency attached by ClinVar (database versions not stated): gnomAD exomes 0.00026 and 0.00061; ExAC 0.00066; 1000 Genomes Project 30x 0.00203; 1000 Genomes Project 0.00220; gnomAD 0.00251 and 0.00270; ESP Exome Variant Server 0.00277; TOPMed 0.00286.
gnomAD v4.1: 775 of 1,614,118 alleles (0.048%); highest among the groups gnomAD compares: African/African-American, 0.95%; 3 homozygotes.

Submissions (5):

Labcorp Genetics (formerly Invitae), Labcorp
Classification: Benign for Myopathy, proximal, and ophthalmoplegia. Last evaluated: 2026-01-01. Review status: criteria provided, single submitter. Criteria: Invitae Variant Classification Sherloc (09022015). Collection method: clinical testing. Allele origin: germline.

CeGaT Center for Human Genetics Tuebingen
Classification: Likely benign. Last evaluated: 2025-07-01. Review status: criteria provided, single submitter. Criteria: CeGaT Center For Human Genetics Tuebingen Variant Classification Criteria Version 2. Collection method: clinical testing. Allele origin: germline. Affected: yes. Observed: 1 variant allele.
Comment: MYH2: BP4, BP7

Mayo Clinic Laboratories, Mayo Clinic
Classification: Likely benign. Last evaluated: 2025-03-26. Review status: criteria provided, single submitter. Criteria: ACMG Guidelines, 2015. Collection method: clinical testing. Allele origin: germline. Observed: 1 variant allele.
Comment: BS1, BP4, BP7

GeneDx
Classification: Likely benign. Last evaluated: 2021-01-07. Review status: criteria provided, single submitter. Criteria: GeneDx Variant Classification Process June 2021. Collection method: clinical testing. Allele origin: germline. Affected: yes.

PreventionGenetics, part of Exact Sciences
Classification: Benign for MYH2-related condition. Last evaluated: 2019-07-29. Review status: no assertion criteria provided. Collection method: clinical testing. Allele origin: germline. Not counted in ClinVar's aggregate classification.
Comment: This variant is classified as benign based on ACMG/AMP sequence variant interpretation guidelines (Richards et al. 2015 PMID: 25741868, with internal and published modifications).